The following is an entry in ClinVar:

ClinVar aggregate classification (germline): Likely benign. Review status: criteria provided, multiple submitters, no conflicts (2 of 4 stars). 3 submissions from 3 submitters: Likely benign (3). Last evaluated 2026-06-25.

Conditions:
PCSK5-related disorder. Also called: PCSK5-related condition.

Allele frequency attached by ClinVar (database versions not stated): gnomAD 0.00320 and 0.00333; TOPMed 0.00377; 1000 Genomes Project 0.00160; 1000 Genomes Project 30x 0.00172; ExAC 0.00276; gnomAD exomes 0.00315; ESP Exome Variant Server 0.00471.
gnomAD v4.1: 8,516 of 1,612,070 alleles (0.53%); highest among the groups gnomAD compares: Non-Finnish European, 0.66%; 35 homozygotes.

Submissions (3):

PreventionGenetics, part of Exact Sciences
Classification: Likely benign for PCSK5-related condition. Last evaluated: 2026-06-25. Review status: criteria provided, single submitter. Criteria: ACMG Guidelines, 2015. Collection method: clinical testing. Allele origin: germline.
Comment: This variant is classified as likely benign based on ACMG/AMP sequence variant interpretation guidelines (Richards et al. 2015 PMID: 25741868, with internal and published modifications).

Labcorp Genetics (formerly Invitae), Labcorp
Classification: Likely benign. Last evaluated: 2018-04-06. Review status: criteria provided, single submitter. Criteria: Invitae Variant Classification Sherloc (09022015). Collection method: clinical testing. Allele origin: germline.

Genomic Diagnostic Laboratory, Division of Genomic Diagnostics, Children's Hospital of Philadelphia
Classification: Likely benign. Last evaluated: 2015-07-01. Review status: criteria provided, single submitter. Criteria: DGD Variant Analysis Guidelines. Collection method: clinical testing. Allele origin: unknown.

NM_001372043.1(PCSK5):c.4361C>T (p.Thr1454Ile)

Gene: PCSK5 (proprotein convertase subtilisin/kexin type 5; plus strand). Cytogenetic location: 9q21.13.
Variant type: single nucleotide variant.
Coding change: c.4361C>T on transcript NM_001372043.1 (MANE Select); coding-DNA position 4361, C replaced by T.
Protein change: p.Thr1454Ile; replaces threonine 1454 with isoleucine.
Molecular consequence: missense variant.
Genome position (GRCh38, 1-based): chr9:76,328,030, C>T. VCF-style: chr9-76328030-C-T. GRCh37 (hg19) VCF-style: chr9-78942946-C-T.
Other names: c.4280C>T, p.Thr1427Ile (NM_001190482.2); short protein forms T1427I, T1454I.
Identifiers: ClinVar variation 218534 (VCV000218534.5), dbSNP rs61744763, ClinGen allele CA249136.